The following is an entry in ClinVar:

ClinVar aggregate classification (germline): Uncertain significance (1 of 4 stars; one submission).

Conditions:
Aortic aneurysm, familial thoracic 7 (AAT7). Also called: AORTIC DISSECTION, FAMILIAL, WITH OR WITHOUT AORTIC ANEURYSM. Identifiers: MedGen C3151077, MONDO:0013418, OMIM 613780.

Submission:

Labcorp Genetics (formerly Invitae), Labcorp
Classification: Uncertain significance for Aortic aneurysm, familial thoracic 7. Last evaluated: 2022-07-26. Review status: criteria provided, single submitter. Criteria: Invitae Variant Classification Sherloc (09022015). Collection method: clinical testing. Allele origin: germline.
Comment: In summary, the available evidence is currently insufficient to determine the role of this variant in disease. Therefore, it has been classified as a Variant of Uncertain Significance. This variant results in a copy number gain of the genomic region encompassing exon(s) 20 of the MYLK gene. While the exact position of this variant cannot be determined from the data, sub-genic copy number gains are generally in tandem (PMID: 25640679). This variant is predicted to be in-frame, and likely preserves the integrity of the reading frame. This variant has not been reported in the literature in individuals affected with MYLK-related conditions. Experimental studies and prediction algorithms are not available or were not evaluated, and the functional significance of this variant is currently unknown.

Literature cited by the submitters: PubMed 25640679.

NC_000003.11:g.(?_123401061)_(123404712_?)dup

Gene: MYLK (myosin light chain kinase; minus strand). Cytogenetic location: 3q21.1.
Variant type: Duplication.
Identifiers: ClinVar variation 1445260 (VCV001445260.5).